The following is an entry in ClinVar:

ClinVar aggregate classification (germline): Uncertain significance (1 of 4 stars; one submission).

Submission:

Labcorp Genetics (formerly Invitae), Labcorp
Classification: Uncertain significance. Last evaluated: 2022-09-23. Review status: criteria provided, single submitter. Criteria: Invitae Variant Classification Sherloc (09022015). Collection method: clinical testing. Allele origin: germline.
Comment: In summary, the available evidence is currently insufficient to determine the role of this variant in disease. Therefore, it has been classified as a Variant of Uncertain Significance. Algorithms developed to predict the effect of missense changes on protein structure and function are either unavailable or do not agree on the potential impact of this missense change (SIFT: "Deleterious"; PolyPhen-2: "Probably Damaging"; Align-GVGD: "Class C0"). This variant has not been reported in the literature in individuals affected with SEC63-related conditions. This variant is not present in population databases (gnomAD no frequency). This sequence change replaces arginine, which is basic and polar, with glycine, which is neutral and non-polar, at codon 302 of the SEC63 protein (p.Arg302Gly).

NM_007214.5(SEC63):c.904A>G (p.Arg302Gly)

Gene: SEC63 (SEC63 protein translocation regulator; minus strand). Cytogenetic location: 6q21.
Variant type: single nucleotide variant.
Coding change: c.904A>G on transcript NM_007214.5 (MANE Select); coding-DNA position 904, A replaced by G.
Protein change: p.Arg302Gly; replaces arginine 302 with glycine.
Molecular consequence: missense variant.
Genome position (GRCh38, 1-based): chr6:107,906,505, T>C on the plus strand (A>G on the coding strand, the complement: SEC63 is on the minus strand). VCF-style: chr6-107906505-T-C. GRCh37 (hg19) VCF-style: chr6-108227709-T-C.
Other names: short protein forms R302G.
Identifiers: ClinVar variation 1928843 (VCV001928843.5), dbSNP rs2482072553, ClinGen allele CA365183639.